The following is an entry in ClinVar:

NM_007294.4(BRCA1):c.378A>G (p.Gln126=)

Gene: BRCA1 (BRCA1 DNA repair associated; minus strand). Cytogenetic location: 17q21.31.
Variant type: single nucleotide variant.
Coding change: c.378A>G on transcript NM_007294.4 (MANE Select); coding-DNA position 378, A replaced by G.
Protein change: p.Gln126=; no amino-acid change (glutamine 126 retained).
Molecular consequence: synonymous variant. On other transcripts: 5 prime UTR variant (7), intron variant (2).
Genome position (GRCh38, 1-based): chr17:43,104,185, T>C on the plus strand (A>G on the coding strand, the complement: BRCA1 is on the minus strand). VCF-style: chr17-43104185-T-C. GRCh37 (hg19) VCF-style: chr17-41256202-T-C.
Other names: c.378A>G, p.Gln126= (NM_001407603.1, NM_001407605.1, NM_001407610.1 and 165 more transcripts); c.369A>G, p.Gln123= (NM_001407646.1, NM_001407647.1, NM_001408408.1); c.300A>G, p.Gln100= (NM_001407653.1, NM_001407654.1, NM_001407655.1 and 21 more transcripts); c.237A>G, p.Gln79= (NM_001407692.1, NM_001407694.1, NM_001407695.1 and 99 more transcripts); c.168A>G, p.Gln56= (NM_001407853.1, NM_001407879.1, NM_001407881.1 and 58 more transcripts); c.-4A>G (NM_001407959.1, NM_001407960.1, NM_001407962.1 and 4 more transcripts); c.246A>G, p.Gln82= (NM_001408451.1); c.-218-9325A>G (NM_001407967.1, NM_001407966.1).
Identifiers: ClinVar variation 184064 (VCV000184064.27), dbSNP rs786201256, ClinGen allele CA002443.

ClinVar aggregate classification (germline): Likely benign. Review status: reviewed by expert panel (3 of 4 stars). 8 submissions from 8 submitters: Likely benign (1). 7 of the submissions do not count toward it. Last evaluated 2017-06-29.

Conditions:
Hereditary cancer-predisposing syndrome. Also called: Hereditary Cancer Syndrome; Hereditary neoplastic syndrome; Tumor predisposition; Neoplastic Syndromes, Hereditary. Identifiers: Orphanet 140162, MedGen C0027672, MeSH D009386, MONDO:0015356.
Hereditary breast ovarian cancer syndrome. Also called: Hereditary breast and ovarian cancer syndrome; Hereditary breast and ovarian cancer syndrome (HBOC); BRCA1- and BRCA2-Associated Hereditary Breast and Ovarian Cancer; Breast and ovarian cancer; Hereditary breast and ovarian cancer; Hereditary breast and/or ovarian cancer syndrome. Identifiers: Orphanet 145, MedGen C0677776, MeSH D061325, MONDO:0003582. Disease mechanism: loss of function.
Breast-ovarian cancer, familial, susceptibility to, 1 (BROVCA1). Also called: OVARIAN CANCER, SUSCEPTIBILITY TO; BRCA1 Hereditary Breast and Ovarian Cancer. Identifiers: Orphanet 145, MedGen C2676676, MONDO:0011450, OMIM 604370. Disease mechanism: loss of function.

Allele frequency attached by ClinVar (database versions not stated): gnomAD 0.00001; gnomAD exomes 0.00001 and 0.00002; TOPMed 0.00001.
gnomAD v4.1: 28 of 1,613,972 alleles (0.0017%); highest among the groups gnomAD compares: Non-Finnish European, 0.0024%; no homozygotes.

Submissions (8):

Evidence-based Network for the Interpretation of Germline Mutant Alleles (ENIGMA)
Classification: Likely benign for Breast-ovarian cancer, familial, susceptibility to, 1. Last evaluated: 2017-06-29. Review status: reviewed by expert panel. Criteria: ENIGMA BRCA1/2 Classification Criteria (2017-06-29). Collection method: curation. Allele origin: germline.
Comment: Synonymous substitution variant, with low bioinformatic likelihood to result in a splicing aberration (Splicing prior probability 0.02).

Labcorp Genetics (formerly Invitae), Labcorp
Classification: Likely benign for Hereditary breast ovarian cancer syndrome. Last evaluated: 2026-01-19. Review status: criteria provided, single submitter. Criteria: Invitae Variant Classification Sherloc (09022015). Collection method: clinical testing. Allele origin: germline. Not counted in ClinVar's aggregate classification.

Women's Health and Genetics/Laboratory Corporation of America, LabCorp
Classification: Likely benign. Last evaluated: 2024-03-27. Review status: criteria provided, single submitter. Criteria: LabCorp Variant Classification Summary - May 2015. Collection method: clinical testing. Allele origin: germline. Not counted in ClinVar's aggregate classification.

All of Us Research Program, National Institutes of Health
Classification: Likely benign for Breast-ovarian cancer, familial, susceptibility to, 1. Last evaluated: 2023-08-15. Review status: criteria provided, single submitter. Criteria: ACMG Guidelines, 2015. Collection method: clinical testing. Allele origin: germline. Inheritance: Autosomal dominant inheritance. Observed: 2 variant alleles, 2 heterozygotes. Not counted in ClinVar's aggregate classification.
Comment: This study involves interpretation of variants in research participants for the purpose of population health screening. Participant phenotype was not available at the time of variant classification. Additional details can be found in publication PMID: 35346344, PMCID: PMC8962531

Quest Diagnostics Nichols Institute San Juan Capistrano
Classification: Likely benign. Last evaluated: 2021-05-28. Review status: criteria provided, single submitter. Criteria: Quest Diagnostics criteria. Collection method: clinical testing. Allele origin: unknown. Not counted in ClinVar's aggregate classification.

Color Diagnostics, LLC DBA Color Health
Classification: Likely benign for Hereditary cancer-predisposing syndrome. Last evaluated: 2017-08-10. Review status: criteria provided, single submitter. Criteria: ACMG Guidelines, 2015. Collection method: clinical testing. Allele origin: germline. Not counted in ClinVar's aggregate classification.

Ambry Genetics
Classification: Likely benign for Hereditary cancer-predisposing syndrome. Last evaluated: 2016-11-03. Review status: criteria provided, single submitter. Criteria: Ambry Variant Classification Scheme 2023. Collection method: clinical testing. Allele origin: germline. Not counted in ClinVar's aggregate classification.

Department of Pathology and Laboratory Medicine, Sinai Health System
Classification: Uncertain significance. Review status: no assertion criteria provided. Collection method: clinical testing. Allele origin: unknown. Affected: yes. Study: The Canadian Open Genetics Repository (COGR). Not counted in ClinVar's aggregate classification.
Comment: The BRCA1 p.Gln126Gln was identified in the ClinVar database, submitted by Ambry Genetics with a classification of â€šÃ„Ãºlikely benignâ€šÃ„Ã¹. The variant was not identified in the literature, nor was it identified in other database searches (dbSNP, NHLBI Exome Sequencing Project (Exome Variant Server), Exome Aggregation Consortium (ExAC), HGMD, LOVD, COSMIC, GeneInsight COGR, BIC, UMD). The variant does not result in a change of amino acid and is not located in a known consensus splice site; however, four of five in silico splicing prediction software programs (SpliceSiteFinder, MaxEntScan, NNSPLICE, GeneSplicer, HumanSpliceFinder) predict the creation of a cryptic 3â€šÃ„Ã´ splice site in the region. It should be noted that these predictions are not enough to assume pathogenicity as no functional data to support these predictions was identified. In summary, based on the above information, the clinical significance of this variant cannot be determined with certainty at this time. This variant is classified as a variant of unknown significance.

Literature cited by the submitters: PubMed 26010302 (cited by Women's Health and Genetics/Laboratory Corporation of America, LabCorp and Quest Diagnostics Nichols Institute San Juan Capistrano).